The following is an entry in ClinVar:

ClinVar aggregate classification (germline): Pathogenic/Likely pathogenic. Review status: criteria provided, multiple submitters, no conflicts (2 of 4 stars). 12 submissions from 11 submitters: Pathogenic (5); Likely pathogenic (5). 2 of the submissions do not count toward it. Last evaluated 2025-09-15.

Conditions:
SMARCB1-related disorder. Also called: SMARCB1-related condition; SMARCB1-related disorders.
SMARCB1-related BAFopathy.
Coffin-Siris syndrome. Identifiers: Orphanet 1465, MedGen C0265338, MONDO:0015452.
Intellectual disability, autosomal dominant 15 (CSS3). Also called: COFFIN-SIRIS SYNDROME 3. Identifiers: Orphanet 1465, MedGen C3553248, MONDO:0013820, OMIM 614608.

Submissions (12):

SIB Swiss Institute of Bioinformatics
Classification: Pathogenic for Intellectual disability, autosomal dominant 15. Last evaluated: 2025-09-15. Review status: criteria provided, single submitter. Criteria: ACMG Guidelines, 2015. Collection method: curation. Allele origin: unknown. Inheritance: Autosomal dominant inheritance.
Comment: This variant is interpreted as pathogenic for intellectual disability, autosomal dominant 15 (also known as Coffin-Siris syndrome 3) based on the following evidence: the variant is absent from large population databases (gnomAD v4.1.0) (PM2_supporting); it has been found as de novo variant in multiple affected individuals (PMID: 29907796) (PS2_very-strong); computational evidence supports a deleterious effect on the gene or gene product (Revel score 0.802) (PP3_moderate).

GeneDx
Classification: Pathogenic. Last evaluated: 2025-06-16. Review status: criteria provided, single submitter. Criteria: GeneDx Variant Classification Process June 2021. Collection method: clinical testing. Allele origin: germline. Affected: yes.
Comment: In silico analysis suggests that this missense variant does not alter protein structure/function; Not observed at significant frequency in large population cohorts (gnomAD); This variant is associated with the following publications: (PMID: 29907796, 22726846, 25168959, 34906496, 36964972, 33057194, 35982159, 26073604)

PreventionGenetics, part of Exact Sciences
Classification: Likely pathogenic for SMARCB1-related condition. Last evaluated: 2025-04-14. Review status: criteria provided, single submitter. Criteria: ACMG Guidelines, 2015. Collection method: clinical testing. Allele origin: germline.
Comment: The SMARCB1 c.110G>A variant is predicted to result in the amino acid substitution p.Arg37His. This variant was reported as a recurrent de novo variant in patients with Kleefstra syndrome or SMARCB1-related intellectual disability or cerebral palsy (Kleefstra et al. 2012. PubMed ID: 22726846; Diets et al. 2018. PubMed ID: 29907796; Moreno-De-Luca et al. 2021. PubMed ID: 33528536). This variant has not been reported in a large population database (gnomAD), indicating this variant is rare. In ClinVar, this variant is interpreted as pathogenic, likely pathogenic, or uncertain significance (Variation ID: 88893). This variant is interpreted as likely pathogenic.

Victorian Clinical Genetics Services, Murdoch Childrens Research Institute
Classification: Pathogenic for Intellectual disability, autosomal dominant 15. Last evaluated: 2024-10-09. Review status: criteria provided, single submitter. Criteria: ACMG Guidelines, 2015. Collection method: clinical testing. Allele origin: germline. Inheritance: Autosomal dominant inheritance. Affected: yes.
Comment: Based on the classification scheme VCGS_Germline_v1.3.4, this variant is classified as Pathogenic. Following criteria are met: 0103 - Dominant negative, loss of function and gain of function are all known mechanisms of disease in this gene. Loss of function variants are associated with cancer susceptibility (rhabdoid tumor predisposition syndrome 1 (MIM#609322), schwannomatosis-1 (MIM#162091), rhabdoid tumors somatic (MIM#609322)). An inframe deletion variant, missense variants and truncating variants escaping nonsense-mediated decay have all been reported to have either a gain of function or dominant negative mechanism, and are associated with Coffin-Siris syndrome 3 (MIM#614608) (OMIM, PMID: 31759698). (I) 0107 - This gene is associated with autosomal dominant disease. (I) 0200 - Variant is predicted to result in a missense amino acid change from arginine to histidine. (I) 0251 - This variant is heterozygous. (I) 0301 - Variant is absent from gnomAD (both v2 and v3). (SP) 0502 - Missense variant with conflicting in silico predictions and high conservation. (I) 0603 - Missense variant in a region that is highly intolerant to missense variation (high constraint region in gnomAD). This variant is located in the DNA binding domain (DECIPHER). (SP) 0801 - This variant has strong previous evidence of pathogenicity in unrelated individuals. It has been observed de novo in multiple affected individuals (PMIDs: 29907796, 34906496, 31172278). In addition, it has been reported as pathogenic and likely pathogenic by multiple clinical laboratories (ClinVar). (SP) Legend: (SP) - Supporting pathogenic, (I) - Information, (SB) - Supporting benign

Broad Center for Mendelian Genomics, Broad Institute of MIT and Harvard
Classification: Likely pathogenic for Coffin-Siris syndrome. Last evaluated: 2024-05-16. Review status: criteria provided, single submitter. Criteria: ACMG Guidelines, 2015. Collection method: curation. Allele origin: germline. Inheritance: Autosomal dominant inheritance.
Comment: The p.Arg37His variant in SMARCB1 has been reported in >10 individuals with Coffin-Siris syndrome (PMIDs: 22726846, 29907796, 33057194, 34906496, 36964972), but was absent from large population studies. The number of reported affected individuals with this variant is greater than expected compared to non-affected individuals with this variant. This variant has been reported in ClinVar (Variation ID: 88893) and has been interpreted as uncertain significance by two submitters, likely pathogenic by two submitters, and pathogenic by three submitters. This variant is assumed de novo in 11 individuals, but maternity and paternity have not been confirmed (PMIDs: 22726846, 29907796, 34906496, 36964972). Computational prediction tools and conservation analyses suggest that this variant may impact the protein, though this information is not predictive enough to determine pathogenicity. The number of missense variants reported in SMARCB1 in the general population is lower than expected, suggesting there is little benign variation in this gene and slightly increasing the possibility that a missense variant in this gene may not be tolerated. In summary, although additional studies are required to fully establish its clinical significance, this variant is likely pathogenic for autosomal dominant Coffin-Siris syndrome. ACMG/AMP Criteria applied: PM2_Supporting, PS4_Moderate, PP2, PM6, PP3_Moderate (Richards 2015).

Daryl Scott Lab, Baylor College of Medicine
Classification: Pathogenic for Intellectual disability, autosomal dominant 15. Last evaluated: 2024-01-01. Review status: criteria provided, single submitter. Criteria: ACMG Guidelines, 2015. Collection method: clinical testing. Allele origin: de novo. Affected: yes. Observed: 1 heterozygote.
Comment: PS2, PM2, PM5, PP3

Clinical Genetics Laboratory, Skane University Hospital Lund
Classification: Likely pathogenic. Last evaluated: 2022-05-27. Review status: criteria provided, single submitter. Criteria: ACMG Guidelines, 2015. Collection method: clinical testing. Allele origin: germline. Affected: yes.

Revvity Omics, Revvity
Classification: Likely pathogenic for Intellectual disability, autosomal dominant 15. Last evaluated: 2021-07-15. Review status: criteria provided, single submitter. Criteria: ACMG Guidelines, 2015. Collection method: clinical testing. Allele origin: germline.

Baylor Genetics
Classification: Pathogenic for SMARCB1-related BAFopathy. Last evaluated: 2021-06-10. Review status: criteria provided, single submitter. Criteria: ACMG Guidelines, 2015. Collection method: clinical testing. Allele origin: de novo. Affected: yes.

Laboratory of Medical Genetics, University of Torino
Classification: Likely pathogenic for Intellectual disability, autosomal dominant 15. Review status: criteria provided, single submitter. Criteria: ACMG Guidelines, 2015. Collection method: clinical testing. Allele origin: unknown. Affected: yes.

OMIM
Classification: Pathogenic for COFFIN-SIRIS SYNDROME 3. Last evaluated: 2012-07-13. Review status: no assertion criteria provided. Collection method: literature only. Allele origin: germline. Not counted in ClinVar's aggregate classification.

Baylor Genetics
Classification: Uncertain significance for Intellectual disability, autosomal dominant 15. Last evaluated: 2017-09-01. Review status: flagged submission. Criteria: ACMG Guidelines, 2015. Collection method: clinical testing. Allele origin: de novo. Inheritance: Autosomal dominant inheritance. Affected: yes. Not counted in ClinVar's aggregate classification.
ClinVar note: Reason: Older and outlier claim with insufficient supporting evidence

Literature cited by the submitters: PubMed 22726846 (cited by 3 submitters); PubMed 29907796 (cited by SIB Swiss Institute of Bioinformatics and Victorian Clinical Genetics Services, Murdoch Childrens Research Institute); PubMed 31172278 (cited by Victorian Clinical Genetics Services, Murdoch Childrens Research Institute); PubMed 31759698 (cited by Victorian Clinical Genetics Services, Murdoch Childrens Research Institute); PubMed 34906496 (cited by Victorian Clinical Genetics Services, Murdoch Childrens Research Institute); PubMed 25326635 (cited by Baylor Genetics).

NM_003073.5(SMARCB1):c.110G>A (p.Arg37His)

Gene: SMARCB1 (SWI/SNF related BAF chromatin remodeling complex subunit B1; plus strand). Cytogenetic location: 22q11.23.
Variant type: single nucleotide variant.
Coding change: c.110G>A on transcript NM_003073.5 (MANE Select); coding-DNA position 110, G replaced by A.
Protein change: p.Arg37His; replaces arginine 37 with histidine.
Molecular consequence: missense variant.
Genome position (GRCh38, 1-based): chr22:23,791,772, G>A. VCF-style: chr22-23791772-G-A. GRCh37 (hg19) VCF-style: chr22-24133959-G-A.
Other names: NM_003073.5(SMARCB1):c.110G>A; p.Arg37His; c.110G>A, p.Arg37His (NM_001007468.3, NM_001317946.2, NM_001362877.2); c.110G>A (LRG_520t1); short protein forms R37H.
Identifiers: ClinVar variation 88893 (VCV000088893.18), dbSNP rs398122368, ClinGen allele CA145398.
Genomic context (GRCh38, chr22:23,791,772, plus strand): 5'-TGGTGCTGCGACCCTTATAATGAGCCTTCTTGCTTTACTCATAGGTGGGAAACTACCTCC[G>A]TATGTTCCGAGGTTCTCTGTACAAGAGATACCCCTCACTCTGGAGGCGACTAGCCACTGT-3'
Protein context (NP_003064.2, residues 27-47): MIGSEVGNYL[Arg37His]MFRGSLYKRY